The following is an entry in ClinVar:

NM_000095.3(COMP):c.831C>G (p.Asp277Glu)

Gene: COMP (cartilage oligomeric matrix protein; minus strand). Cytogenetic location: 19p13.11.
Variant type: single nucleotide variant.
Coding change: c.831C>G on transcript NM_000095.3 (MANE Select); coding-DNA position 831, C replaced by G.
Protein change: p.Asp277Glu; replaces aspartic acid 277 with glutamic acid.
Molecular consequence: missense variant.
Genome position (GRCh38, 1-based): chr19:18,788,446, G>C on the plus strand (C>G on the coding strand, the complement: COMP is on the minus strand). VCF-style: chr19-18788446-G-C. GRCh37 (hg19) VCF-style: chr19-18899255-G-C.
Other names: short protein forms D277E.
Identifiers: ClinVar variation 2983957 (VCV002983957.3), dbSNP rs766595611, ClinGen allele CA9316625.

ClinVar aggregate classification (germline): Uncertain significance (1 of 4 stars; one submission).

gnomAD v4.1: 1 of 1,597,744 alleles (0.000063%); highest among the groups gnomAD compares: Non-Finnish European, 0.000085%; no homozygotes.

Submission:

Labcorp Genetics (formerly Invitae), Labcorp
Classification: Uncertain significance. Last evaluated: 2023-03-27. Review status: criteria provided, single submitter. Criteria: Invitae Variant Classification Sherloc (09022015). Collection method: clinical testing. Allele origin: germline.
Comment: In summary, the available evidence is currently insufficient to determine the role of this variant in disease. Therefore, it has been classified as a Variant of Uncertain Significance. Advanced modeling of protein sequence and biophysical properties (such as structural, functional, and spatial information, amino acid conservation, physicochemical variation, residue mobility, and thermodynamic stability) performed at Invitae indicates that this missense variant is expected to disrupt COMP protein function. This variant has not been reported in the literature in individuals affected with COMP-related conditions. This variant is present in population databases (rs766595611, gnomAD 0.006%). This sequence change replaces aspartic acid, which is acidic and polar, with glutamic acid, which is acidic and polar, at codon 277 of the COMP protein (p.Asp277Glu).